The following is an entry in ClinVar:

NM_004360.5(CDH1):c.163+8C>A

Gene: CDH1 (cadherin 1; plus strand). Cytogenetic location: 16q22.1.
Variant type: single nucleotide variant.
Coding change: c.163+8C>A on transcript NM_004360.5 (MANE Select); 8 bases into the intron after coding-DNA position 163, C replaced by A.
Molecular consequence: intron variant.
Genome position (GRCh38, 1-based): chr16:68,738,419, C>A. VCF-style: chr16-68738419-C-A. GRCh37 (hg19) VCF-style: chr16-68772322-C-A.
Other names: c.-1453+8C>A (NM_001317185.2); c.-1657+8C>A (NM_001317186.2); c.163+8C>A (NM_001317184.2).
Identifiers: ClinVar variation 1540338 (VCV001540338.9), dbSNP rs863224396, ClinGen allele CA2573152518.

ClinVar aggregate classification (germline): Likely benign. Review status: criteria provided, multiple submitters, no conflicts (2 of 4 stars). 2 submissions from 2 submitters: Likely benign (2). Last evaluated 2024-10-15.

Conditions:
Hereditary diffuse gastric adenocarcinoma (HDGC). Also called: DIFFUSE GASTRIC AND LOBULAR BREAST CANCER SYNDROME. Identifiers: Orphanet 26106, MedGen C1708349, MONDO:0007648, OMIM 137215.

Submissions (2):

Labcorp Genetics (formerly Invitae), Labcorp
Classification: Likely benign for Hereditary diffuse gastric adenocarcinoma. Last evaluated: 2024-10-15. Review status: criteria provided, single submitter. Criteria: Invitae Variant Classification Sherloc (09022015). Collection method: clinical testing. Allele origin: germline.

Myriad Genetics, Inc.
Classification: Likely benign for Hereditary diffuse gastric adenocarcinoma. Last evaluated: 2024-09-11. Review status: criteria provided, single submitter. Criteria: Myriad Autosomal Dominant, Autosomal Recessive and X-Linked Classification Criteria (2023). Collection method: clinical testing. Allele origin: unknown.
Comment: This variant is considered likely benign. This variant is intronic and is not expected to impact mRNA splicing.